The following is an entry in ClinVar:

ClinVar aggregate classification (germline): Uncertain significance. Review status: criteria provided, multiple submitters, no conflicts (2 of 4 stars). 2 submissions from 2 submitters: Uncertain significance (2). Last evaluated 2022-09-27.

Conditions:
Hereditary cancer-predisposing syndrome. Also called: Neoplastic Syndromes, Hereditary; Tumor predisposition; Hereditary neoplastic syndrome; Hereditary Cancer Syndrome. Identifiers: Orphanet 140162, MedGen C0027672, MeSH D009386, MONDO:0015356.

Allele frequency attached by ClinVar (database versions not stated): gnomAD exomes below 0.00001.
gnomAD v4.1: 1 of 1,614,018 alleles (0.000062%); highest among the groups gnomAD compares: Non-Finnish European, 0.000085%; no homozygotes.

Submissions (2):

Quest Diagnostics Nichols Institute San Juan Capistrano
Classification: Uncertain significance. Last evaluated: 2022-09-27. Review status: criteria provided, single submitter. Criteria: Quest Diagnostics criteria. Collection method: clinical testing. Allele origin: unknown.
Comment: The variant has not been reported in the published literature. It also has not been reported in large, multi-ethnic general populations. Analysis of this variant using bioinformatics tools for the prediction of the effect of amino acid changes on protein structure and function yielded predictions that this variant is benign. Based on the available information, we are unable to determine the clinical significance of this variant.

Ambry Genetics
Classification: Uncertain significance for Hereditary cancer-predisposing syndrome. Last evaluated: 2019-05-02. Review status: criteria provided, single submitter. Criteria: Ambry Variant Classification Scheme 2023. Collection method: clinical testing. Allele origin: germline.
Comment: The p.E1106K variant (also known as c.3316G>A), located in coding exon 21 of the RAD50 gene, results from a G to A substitution at nucleotide position 3316. The glutamic acid at codon 1106 is replaced by lysine, an amino acid with similar properties. This amino acid position is well conserved in available vertebrate species. In addition, this alteration is predicted to be tolerated by in silico analysis. Since supporting evidence is limited at this time, the clinical significance of this alteration remains unclear.

NM_005732.4(RAD50):c.3316G>A (p.Glu1106Lys)

Gene: RAD50 (RAD50 double strand break repair protein; plus strand). Cytogenetic location: 5q31.1.
Variant type: single nucleotide variant.
Coding change: c.3316G>A on transcript NM_005732.4 (MANE Select); coding-DNA position 3316, G replaced by A.
Protein change: p.Glu1106Lys; replaces glutamic acid 1106 with lysine.
Molecular consequence: missense variant.
Genome position (GRCh38, 1-based): chr5:132,618,221, G>A. VCF-style: chr5-132618221-G-A. GRCh37 (hg19) VCF-style: chr5-131953913-G-A.
Other names: short protein forms E1106K.
Identifiers: ClinVar variation 823571 (VCV000823571.5), dbSNP rs1581009525, ClinGen allele CA360964841.
Genomic context (GRCh38, chr5:132,618,221, plus strand): 5'-ATTCATTTTAAGAAAGAACTTCGAGAACCACAATTTCGGGATGCTGAGGAAAAGTATAGA[G>A]AAATGATGATTGTTATGAGGACAACAGAACTTGTGAACAAGGATCTGGATATTTATTATA-3'
Protein context (NP_005723.2, residues 1096-1116): QFRDAEEKYR[Glu1106Lys]MMIVMRTTEL